The following is an entry in ClinVar:

NM_001276270.2(MBD4):c.1659A>T (p.Glu553Asp)

Gene: MBD4 (methyl-CpG binding domain 4, DNA glycosylase; minus strand). Cytogenetic location: 3q21.3.
Variant type: single nucleotide variant.
Coding change: c.1659A>T on transcript NM_001276270.2 (MANE Select); coding-DNA position 1659, A replaced by T.
Protein change: p.Glu553Asp; replaces glutamic acid 553 with aspartic acid.
Molecular consequence: missense variant. On other transcripts: 3 prime UTR variant (1).
Genome position (GRCh38, 1-based): chr3:129,431,567, T>A on the plus strand (A>T on the coding strand, the complement: MBD4 is on the minus strand). VCF-style: chr3-129431567-T-A. GRCh37 (hg19) VCF-style: chr3-129150410-T-A.
Other names: c.*1A>T (NM_001276272.2); c.723A>T, p.Glu241Asp (NM_001276273.2); c.1677A>T, p.Glu559Asp (NM_003925.3); short protein forms E559D, E241D, E553D.
Identifiers: ClinVar variation 4104659 (VCV004104659.1).

ClinVar aggregate classification (germline): Uncertain significance (1 of 4 stars; one submission).

Conditions:
Inborn genetic diseases. Identifiers: MedGen C0950123, MeSH D030342.

gnomAD v4.1: 12 of 1,611,582 alleles (0.00074%); highest among the groups gnomAD compares: African/African-American, 0.0013%; no homozygotes.

Submission:

Ambry Genetics
Classification: Uncertain significance for Inborn genetic diseases. Last evaluated: 2025-08-20. Review status: criteria provided, single submitter. Criteria: Ambry Variant Classification Scheme 2023. Collection method: clinical testing. Allele origin: germline.
Comment: The p.E553D variant (also known as c.1659A>T), located in coding exon 8 of the MBD4 gene, results from an A to T substitution at nucleotide position 1659. The glutamic acid at codon 553 is replaced by aspartic acid, an amino acid with highly similar properties. This amino acid position is conserved. In addition, this alteration is predicted to be tolerated by in silico analysis. Based on the available evidence, the clinical significance of this variant remains unclear.